The following is an entry in ClinVar:

ClinVar aggregate classification (germline): Pathogenic. Review status: criteria provided, multiple submitters, no conflicts (2 of 4 stars). 3 submissions from 3 submitters: Pathogenic (3). Last evaluated 2025-08-11.

Conditions:
Hereditary cancer-predisposing syndrome. Also called: Hereditary Cancer Syndrome; Hereditary neoplastic syndrome; Tumor predisposition; Neoplastic Syndromes, Hereditary. Identifiers: Orphanet 140162, MedGen C0027672, MeSH D009386, MONDO:0015356.
Breast-ovarian cancer, familial, susceptibility to, 5 (BROVCA5). Identifiers: MedGen C5830615, MONDO:0957530, OMIM 620442.
Familial cancer of breast. Also called: BREAST CANCER, FAMILIAL; Hereditary breast cancer; hereditary breast carcinoma. Identifiers: Orphanet 227535, MedGen C0346153, MONDO:0016419, OMIM 114480. Disease mechanism: loss of function.

Submissions (3):

Institute of Human Genetics, University of Leipzig Medical Center
Classification: Pathogenic for Breast-ovarian cancer, familial, susceptibility to, 5. Last evaluated: 2025-08-11. Review status: criteria provided, single submitter. Criteria: ACMG Guidelines, 2015. Collection method: clinical testing. Allele origin: unknown. Inheritance: Autosomal dominant inheritance. Affected: yes.
Comment: Criteria applied: PVS1,PM2_SUP,PM5_SUP

Myriad Genetics, Inc.
Classification: Pathogenic for Familial cancer of breast. Last evaluated: 2024-01-10. Review status: criteria provided, single submitter. Criteria: Myriad Autosomal Dominant, Autosomal Recessive and X-Linked Classification Criteria (2023). Collection method: clinical testing. Allele origin: unknown.
Comment: This variant is considered pathogenic. This variant creates a frameshift predicted to result in premature protein truncation.

Ambry Genetics
Classification: Pathogenic for Hereditary cancer-predisposing syndrome. Last evaluated: 2021-01-14. Review status: criteria provided, single submitter. Criteria: Ambry Variant Classification Scheme 2023. Collection method: clinical testing. Allele origin: germline.
Comment: The c.2310delC pathogenic mutation, located in coding exon 5 of the PALB2 gene, results from a deletion of one nucleotide at nucleotide position 2310, causing a translational frameshift with a predicted alternate stop codon (p.S771Vfs*80). This alteration is expected to result in loss of function by premature protein truncation or nonsense-mediated mRNA decay. As such, this alteration is interpreted as a disease-causing mutation.

NM_024675.4(PALB2):c.2310del (p.Ser771fs)

Gene: PALB2 (partner and localizer of BRCA2; minus strand). Cytogenetic location: 16p12.2.
Variant type: Deletion.
Coding change: c.2310del on transcript NM_024675.4 (MANE Select); coding-DNA position 2310, one base deleted (C; older notation c.2310delC).
Protein change: p.Ser771fs; shifts the reading frame from serine 771.
Molecular consequence: frameshift variant.
Genome position (GRCh38, 1-based): chr16:23,629,844, G deleted on the plus strand (C on the coding strand, the reverse complement: PALB2 is on the minus strand); the first of 2 consecutive G bases (chr16:23,629,844-23,629,845); deleting either gives the same sequence. VCF-style (leftmost placement, unchanged base first): chr16-23629843-TG-T. GRCh37 (hg19) VCF-style: chr16-23641164-TG-T.
Other names: c.2249delC, p.Ser751Valfs (NM_001407296.1); c.2309delC, p.Ser771Valfs (NM_001407297.1, NM_001407298.1, NM_001407299.1 and 3 more transcripts); c.1424delC, p.Ser476Valfs (NM_001407304.1, NM_001407305.1, NM_001407306.1 and 5 more transcripts); c.521delC, p.Ser175Valfs (NM_001407312.1, NM_001407313.1); c.2310delC (NM_024675.3); short protein forms S771fs.
Identifiers: ClinVar variation 1789427 (VCV001789427.3), dbSNP rs2506411822, ClinGen allele CA2580091337.